The following is an entry in ClinVar:

NM_000268.4(NF2):c.599G>A (p.Arg200Lys)

Gene: NF2 (NF2, moesin-ezrin-radixin like (MERLIN) tumor suppressor; plus strand). Cytogenetic location: 22q12.2.
Variant type: single nucleotide variant.
Coding change: c.599G>A on transcript NM_000268.4 (MANE Select); coding-DNA position 599, G replaced by A.
Protein change: p.Arg200Lys; replaces arginine 200 with lysine.
Molecular consequence: missense variant. On other transcripts: intron variant (1).
Genome position (GRCh38, 1-based): chr22:29,655,676, G>A. VCF-style: chr22-29655676-G-A. GRCh37 (hg19) VCF-style: chr22-30051665-G-A.
Other names: c.485G>A, p.Arg162Lys (NM_001407053.1, NM_001407056.1); c.476G>A, p.Arg159Lys (NM_001407054.1, NM_001407058.1, NM_001407062.1 and 1 more transcripts); c.473G>A, p.Arg158Lys (NM_001407055.1, NM_181828.3); c.599G>A, p.Arg200Lys (NM_001407057.1, NM_001407059.1, NM_001407060.1 and 4 more transcripts); c.350G>A, p.Arg117Lys (NM_001407063.1, NM_001407064.1, NM_181830.3 and 1 more transcripts); c.65G>A, p.Arg22Lys (NM_001407065.1); c.368G>A, p.Arg123Lys (NM_001407067.1); c.447+13391G>A (NM_181833.3); short protein forms R117K, R158K, R200K, R22K, R123K, R159K, R162K.
Identifiers: ClinVar variation 2823225 (VCV002823225.4), dbSNP rs2146974059, ClinGen allele CA411142729.

ClinVar aggregate classification (germline): Uncertain significance. Review status: criteria provided, multiple submitters, no conflicts (2 of 4 stars). 2 submissions from 2 submitters: Uncertain significance (2). Last evaluated 2025-09-17.

Conditions:
Neurofibromatosis, type 2 (SWNV). Also called: BILATERAL ACOUSTIC NEUROFIBROMATOSIS; NF2-Related Schwannomatosis; SCHWANNOMATOSIS, VESTIBULAR. Identifiers: Orphanet 637, MedGen C0027832, MONDO:0007039, OMIM 101000. Disease mechanism: loss of function.

Submissions (2):

Color Diagnostics, LLC DBA Color Health
Classification: Uncertain significance for Neurofibromatosis, type 2. Last evaluated: 2025-09-17. Review status: criteria provided, single submitter. Criteria: ACMG Guidelines, 2015. Collection method: clinical testing. Allele origin: germline.
Comment: This missense variant replaces arginine with lysine at codon 200 of the NF2 protein. Computational prediction is inconclusive regarding the impact of this variant on protein structure and function. A splicing prediction algorithm indicates that this variant may weaken intron 6 splice donor site (PMID: 30661751), although this has not been examined in RNA studies in the literature. To our knowledge, functional studies have not been reported for this variant. This variant has not been reported in individuals affected with NF2-related disorders in the literature. This variant has not been identified in the general population by the Genome Aggregation Database (gnomAD). The available evidence is insufficient to determine the role of this variant in disease conclusively. Therefore, this variant is classified as a Variant of Uncertain Significance.

Labcorp Genetics (formerly Invitae), Labcorp
Classification: Uncertain significance for Neurofibromatosis, type 2. Last evaluated: 2023-12-13. Review status: criteria provided, single submitter. Criteria: Invitae Variant Classification Sherloc (09022015). Collection method: clinical testing. Allele origin: germline.
Comment: This sequence change replaces arginine, which is basic and polar, with lysine, which is basic and polar, at codon 200 of the NF2 protein (p.Arg200Lys). This variant also falls at the last nucleotide of exon 6, which is part of the consensus splice site for this exon. This variant is not present in population databases (gnomAD no frequency). This variant has not been reported in the literature in individuals affected with NF2-related conditions. An algorithm developed to predict the effect of missense changes on protein structure and function (PolyPhen-2) suggests that this variant is likely to be tolerated. Variants that disrupt the consensus splice site are a relatively common cause of aberrant splicing (PMID: 17576681, 9536098). Algorithms developed to predict the effect of sequence changes on RNA splicing suggest that this variant may disrupt the consensus splice site. In summary, the available evidence is currently insufficient to determine the role of this variant in disease. Therefore, it has been classified as a Variant of Uncertain Significance.

Literature cited by the submitters: PubMed 30661751 (cited by Color Diagnostics, LLC DBA Color Health); PubMed 17576681 (cited by Labcorp Genetics (formerly Invitae), Labcorp); PubMed 9536098 (cited by Labcorp Genetics (formerly Invitae), Labcorp).